The following is an entry in ClinVar:

ClinVar aggregate classification (germline): Likely pathogenic (1 of 4 stars; one submission).

Conditions:
Combined oxidative phosphorylation defect type 14. Also called: Combined oxidative phosphorylation deficiency 14. Identifiers: Orphanet 319519, MedGen C4755312, MONDO:0013986, OMIM 614946.
Hereditary spastic paraplegia 77. Also called: Spastic paraplegia 77, autosomal recessive. Identifiers: Orphanet 466722, MedGen C5569007, MONDO:0014882, OMIM 617046.

Submission:

First Genomix Gene Laboratory, Genetic Diagnostics Department
Classification: Likely pathogenic for Combined oxidative phosphorylation defect type 14; Hereditary spastic paraplegia 77. Last evaluated: 2025-09-25. Review status: criteria provided, single submitter. Criteria: ACMG Guidelines, 2015. Collection method: clinical testing. Allele origin: germline. Inheritance: Autosomal recessive inheritance. Affected: no. Observed: 1 variant allele.

NM_006567.5(FARS2):c.954del (p.Arg318fs)

Gene: FARS2 (phenylalanyl-tRNA synthetase 2, mitochondrial; plus strand). Cytogenetic location: 6p25.1.
Variant type: Deletion.
Coding change: c.954del on transcript NM_006567.5 (MANE Select); coding-DNA position 954, one base deleted (G; older notation c.954delG).
Protein change: p.Arg318fs; shifts the reading frame from arginine 318.
Molecular consequence: frameshift variant.
Genome position (GRCh38, 1-based): chr6:5,545,229, G deleted; the last of 2 consecutive G bases (chr6:5,545,228-5,545,229); deleting either gives the same sequence. VCF-style (leftmost placement, unchanged base first): chr6-5545227-AG-A. GRCh37 (hg19) VCF-style: chr6-5545460-AG-A.
Other names: c.954del, p.Arg318fs (NM_001318872.2, NM_001374875.1, NM_001374876.1 and 4 more transcripts); c.822del, p.Arg274fs (NM_001375258.1); c.258del, p.Arg86fs (NM_001375259.1, NM_001375260.1); short protein forms R274fs, R318fs, R86fs.
Identifiers: ClinVar variation 4850440 (VCV004850440.1).
Genomic context (GRCh38, chr6:5,545,227, plus strand): 5'-TTCCTAATCACAGCTGGTGCTCAAGACCGAATCGGCTGGGCTTTTGGCCTAGGATTAGAA[AG>A]GCTAGCCATGATCCTCTACGACATCCCTGATATCCGTCTCTTCTGGTGTGAGGACGAGCG-3'